The following is an entry in ClinVar:

ClinVar aggregate classification (germline): Benign/Likely benign. Review status: criteria provided, multiple submitters, no conflicts (2 of 4 stars). 5 submissions from 5 submitters: Benign (4); Likely benign (1). Last evaluated 2025-10-01.

Conditions:
Lynch syndrome 5 (LYNCH5). Also called: Hereditary non-polyposis colorectal cancer, type 5; Colorectal cancer, hereditary nonpolyposis, type 5. Identifiers: Orphanet 144, MedGen C1833477, MONDO:0013710, OMIM 614350. Disease mechanism: loss of function.
Hereditary cancer-predisposing syndrome. Also called: Tumor predisposition; Neoplastic Syndromes, Hereditary; Hereditary Cancer Syndrome; Hereditary neoplastic syndrome. Identifiers: Orphanet 140162, MedGen C0027672, MeSH D009386, MONDO:0015356.

Submissions (5):

CeGaT Center for Human Genetics Tuebingen
Classification: Benign. Last evaluated: 2025-10-01. Review status: criteria provided, single submitter. Criteria: CeGaT Center For Human Genetics Tuebingen Variant Classification Criteria Version 2. Collection method: clinical testing. Allele origin: germline. Affected: yes. Observed: 1 variant allele.
Comment: MSH6: BS1, BS2

Center for Genomic Medicine, Rigshospitalet, Copenhagen University Hospital
Classification: Benign. Last evaluated: 2025-03-04. Review status: criteria provided, single submitter. Criteria: ACMG Guidelines, 2015. Collection method: clinical testing. Allele origin: germline.
Comment: Classification criteria: BA1

GeneDx
Classification: Likely benign. Last evaluated: 2019-11-19. Review status: criteria provided, single submitter. Criteria: GeneDx Variant Classification Process June 2021. Collection method: clinical testing. Allele origin: germline. Affected: yes.

Color Diagnostics, LLC DBA Color Health
Classification: Benign for Hereditary cancer-predisposing syndrome. Last evaluated: 2019-07-31. Review status: criteria provided, single submitter. Criteria: ACMG Guidelines, 2015. Collection method: clinical testing. Allele origin: germline.

Mendelics
Classification: Benign for Lynch syndrome 5. Last evaluated: 2019-05-28. Review status: criteria provided, single submitter. Criteria: Mendelics Assertion Criteria 2017. Collection method: clinical testing. Allele origin: unknown.

NM_000179.3(MSH6):c.4002-26_4002-25insCTTT

Gene: MSH6 (mutS homolog 6; plus strand). Cytogenetic location: 2p16.3.
Variant type: Insertion.
Coding change: c.4002-26_4002-25insCTTT on transcript NM_000179.3 (MANE Select); 26 bases into the intron before coding-DNA position 4002 through 25 bases into the intron before coding-DNA position 4002, CTTT inserted.
Molecular consequence: intron variant.
Genome position: GRCh38 VCF-style: chr2-47806751-C-CTTCT. GRCh37 (hg19) VCF-style: chr2-48033890-C-CTTCT.
Other names: c.3096-26_3096-25insCTTT (NM_001281493.2, NM_001281494.2); c.3612-26_3612-25insCTTT (NM_001281492.2).
Identifiers: ClinVar variation 801710 (VCV000801710.12), dbSNP rs1553333916, ClinGen allele CA532705568.